The following is an entry in ClinVar:

NM_000143.4(FH):c.92C>T (p.Ala31Val)

Gene: FH (fumarate hydratase; minus strand). Cytogenetic location: 1q43.
Variant type: single nucleotide variant.
Coding change: c.92C>T on transcript NM_000143.4 (MANE Select); coding-DNA position 92, C replaced by T.
Protein change: p.Ala31Val; replaces alanine 31 with valine.
Molecular consequence: missense variant.
Genome position (GRCh38, 1-based): chr1:241,519,631, G>A on the plus strand (C>T on the coding strand, the complement: FH is on the minus strand). VCF-style: chr1-241519631-G-A. GRCh37 (hg19) VCF-style: chr1-241682931-G-A.
Other names: short protein forms A31V.
Identifiers: ClinVar variation 231765 (VCV000231765.14), dbSNP rs876659347, ClinGen allele CA10577691.

ClinVar aggregate classification (germline): Uncertain significance. Review status: criteria provided, multiple submitters, no conflicts (2 of 4 stars). 3 submissions from 3 submitters: Uncertain significance (3). Last evaluated 2025-03-04.

Conditions:
Hereditary cancer-predisposing syndrome. Also called: Neoplastic Syndromes, Hereditary; Tumor predisposition; Hereditary Cancer Syndrome; Hereditary neoplastic syndrome. Identifiers: Orphanet 140162, MedGen C0027672, MeSH D009386, MONDO:0015356.

Allele frequency attached by ClinVar (database versions not stated): gnomAD exomes below 0.00001.
gnomAD v4.1: 1 of 1,547,806 alleles (0.000065%); highest among the groups gnomAD compares: Non-Finnish European, 0.000087%; no homozygotes.

Submissions (3):

Center for Genomic Medicine, Rigshospitalet, Copenhagen University Hospital
Classification: Uncertain significance. Last evaluated: 2025-03-04. Review status: criteria provided, single submitter. Criteria: ACMG Guidelines, 2015. Collection method: clinical testing. Allele origin: germline.

Labcorp Genetics (formerly Invitae), Labcorp
Classification: Uncertain significance. Last evaluated: 2024-06-05. Review status: criteria provided, single submitter. Criteria: Invitae Variant Classification Sherloc (09022015). Collection method: clinical testing. Allele origin: germline.
Comment: This sequence change replaces alanine, which is neutral and non-polar, with valine, which is neutral and non-polar, at codon 31 of the FH protein (p.Ala31Val). This variant is not present in population databases (gnomAD no frequency). This variant has not been reported in the literature in individuals affected with FH-related conditions. ClinVar contains an entry for this variant (Variation ID: 231765). Advanced modeling of protein sequence and biophysical properties (such as structural, functional, and spatial information, amino acid conservation, physicochemical variation, residue mobility, and thermodynamic stability) performed at Invitae indicates that this missense variant is not expected to disrupt FH protein function with a negative predictive value of 95%. In summary, the available evidence is currently insufficient to determine the role of this variant in disease. Therefore, it has been classified as a Variant of Uncertain Significance.

Ambry Genetics
Classification: Uncertain significance for Hereditary cancer-predisposing syndrome. Last evaluated: 2016-11-23. Review status: criteria provided, single submitter. Criteria: Ambry Variant Classification Scheme 2023. Collection method: clinical testing. Allele origin: germline.
Comment: The p.A31V variant (also known as c.92C>T), located in coding exon 1 of the FH gene, results from a C to T substitution at nucleotide position 92. The alanine at codon 31 is replaced by valine, an amino acid with similar properties. This variant was not reported in population based cohorts in the following databases: Database of Single Nucleotide Polymorphisms (dbSNP), NHLBI Exome Sequencing Project (ESP), and 1000 Genomes Project. In the ESP, this variant was not observed in 4951 samples (9902 alleles) with coverage at this position. To date, this alteration has been detected with an allele frequency of approximately 0.01% (greater than 20000 alleles tested) in our clinical cohort. This amino acid position is not well conserved in available vertebrate species. In addition, the in silico prediction for this alteration is inconclusive. Since supporting evidence is limited at this time, the clinical significance of this alteration remains unclear.